The following is an entry in ClinVar:

NM_000807.4(GABRA2):c.61del (p.Asp21fs)

Gene: GABRA2 (gamma-aminobutyric acid type A receptor subunit alpha2; minus strand). Cytogenetic location: 4p12.
Variant type: Deletion.
Coding change: c.61del on transcript NM_000807.4 (MANE Select); coding-DNA position 61, one base deleted (G; older notation c.61delG).
Protein change: p.Asp21fs; shifts the reading frame from aspartic acid 21.
Molecular consequence: frameshift variant. On other transcripts: 5 prime UTR variant (4).
Genome position (GRCh38, 1-based): chr4:46,388,646, C deleted on the plus strand (G on the coding strand, the reverse complement: GABRA2 is on the minus strand); the first of 3 consecutive C bases (chr4:46,388,646-46,388,648); deleting any one gives the same sequence. VCF-style (leftmost placement, unchanged base first): chr4-46388645-TC-T. GRCh37 (hg19) VCF-style: chr4-46390662-TC-T.
Other names: c.61del, p.Asp21fs (NM_001114175.3, NM_001377155.1, NM_001330690.2 and 8 more transcripts); c.-37del (NM_001377152.1, NM_001377153.1, NM_001377154.1 and 1 more transcripts); short protein forms D21fs.
Identifiers: ClinVar variation 3648667 (VCV003648667.2).

ClinVar aggregate classification (germline): Uncertain significance (1 of 4 stars; one submission).

Submission:

Labcorp Genetics (formerly Invitae), Labcorp
Classification: Uncertain significance. Last evaluated: 2024-04-09. Review status: criteria provided, single submitter. Criteria: Invitae Variant Classification Sherloc (09022015). Collection method: clinical testing. Allele origin: germline.
Comment: This sequence change creates a premature translational stop signal (p.Asp21Thrfs*54) in the GABRA2 gene. It is expected to result in an absent or disrupted protein product. However, the current clinical and genetic evidence is not sufficient to establish whether loss-of-function variants in GABRA2 cause disease. This variant is not present in population databases (gnomAD no frequency). This variant has not been reported in the literature in individuals affected with GABRA2-related conditions. In summary, the available evidence is currently insufficient to determine the role of this variant in disease. Therefore, it has been classified as a Variant of Uncertain Significance.